The following is an entry in ClinVar:

ClinVar aggregate classification (germline): Uncertain significance (1 of 4 stars; one submission).

Conditions:
Combined immunodeficiency due to LRBA deficiency. Also called: Common variable immunodeficiency 8, with autoimmunity. Identifiers: Orphanet 445018, MedGen C3553512, MONDO:0013863, OMIM 614700.

Submission:

Labcorp Genetics (formerly Invitae), Labcorp
Classification: Uncertain significance for Combined immunodeficiency due to LRBA deficiency. Last evaluated: 2024-01-10. Review status: criteria provided, single submitter. Criteria: Invitae Variant Classification Sherloc (09022015). Collection method: clinical testing. Allele origin: germline.
Comment: This sequence change replaces lysine, which is basic and polar, with serine, which is neutral and polar, at codon 2174 of the LRBA protein (p.Lys2174Ser). Information on the frequency of this variant in the gnomAD database is not available, as this variant may be reported differently in the database. This variant has not been reported in the literature in individuals affected with LRBA-related conditions. An algorithm developed to predict the effect of missense changes on protein structure and function (PolyPhen-2) suggests that this variant¬†is likely to be tolerated. In summary, the available evidence is currently insufficient to determine the role of this variant in disease. Therefore, it has been classified as a Variant of Uncertain Significance.

NM_001364905.1(LRBA):c.6488_6489delinsGT (p.Lys2163Ser)

Gene: LRBA (LPS responsive beige-like anchor protein; minus strand). Cytogenetic location: 4q31.3.
Variant type: Indel.
Coding change: c.6488_6489delinsGT on transcript NM_001364905.1 (MANE Select); coding-DNA positions 6488 to 6489, AG replaced by GT.
Protein change: p.Lys2163Ser; replaces lysine 2163 with serine.
Molecular consequence: missense variant.
Genome position (GRCh38, 1-based): chr4:150,487,794-150,487,795, CT replaced by AC on the plus strand (AG replaced by GT on the coding strand, the reverse complement: LRBA is on the minus strand). VCF-style: chr4-150487794-CT-AC. GRCh37 (hg19) VCF-style: chr4-151408946-CT-AC.
Other names: c.6488_6489delAGinsGT, p.Lys2163Ser (NM_001199282.3); c.6488_6489delinsGT, p.Lys2163Ser (NM_001367550.1); c.6521_6522delAGinsGT, p.Lys2174Ser (NM_006726.5); short protein forms K2163S, K2174S.
Identifiers: ClinVar variation 2791417 (VCV002791417.1), dbSNP rs2546535324, ClinGen allele CA2739270308.